The following is an entry in ClinVar:

NM_000944.5(PPP3CA):c.1156+3A>G

Gene: PPP3CA (protein phosphatase 3 catalytic subunit alpha; minus strand). Cytogenetic location: 4q24.
Variant type: single nucleotide variant.
Coding change: c.1156+3A>G on transcript NM_000944.5 (MANE Select); 3 bases into the intron after coding-DNA position 1156, A replaced by G.
Molecular consequence: intron variant.
Genome position (GRCh38, 1-based): chr4:101,061,084, T>C on the plus strand (A>G on the coding strand, the complement: PPP3CA is on the minus strand). VCF-style: chr4-101061084-T-C. GRCh37 (hg19) VCF-style: chr4-101982241-T-C.
Other names: c.1030+3A>G (NM_001130692.2); c.1156+3A>G (NM_001130691.2).
Identifiers: ClinVar variation 1432914 (VCV001432914.7), dbSNP rs899421037, ClinGen allele CA102972694.

ClinVar aggregate classification (germline): Uncertain significance. Review status: criteria provided, multiple submitters, no conflicts (2 of 4 stars). 2 submissions from 2 submitters: Uncertain significance (2). Last evaluated 2026-02-01.

Allele frequency attached by ClinVar (database versions not stated): gnomAD exomes 0.00001; gnomAD 0.00007 and 0.00009; TOPMed 0.00015.
gnomAD v4.1: 20 of 1,609,184 alleles (0.0012%); highest among the groups gnomAD compares: Admixed American, 0.025%; no homozygotes.

Submissions (2):

Labcorp Genetics (formerly Invitae), Labcorp
Classification: Uncertain significance. Last evaluated: 2026-02-01. Review status: criteria provided, single submitter. Criteria: Invitae Variant Classification Sherloc (09022015). Collection method: clinical testing. Allele origin: germline.
Comment: This sequence change falls in intron 10 of the PPP3CA gene. It does not directly change the encoded amino acid sequence of the PPP3CA protein. It affects a nucleotide within the consensus splice site. This variant is present in population databases (no rsID available, gnomAD 0.009%). This variant has not been reported in the literature in individuals affected with PPP3CA-related conditions. ClinVar contains an entry for this variant (Variation ID: 1432914). Variants that disrupt the consensus splice site are a relatively common cause of aberrant splicing (PMID: 17576681, 9536098). Algorithms developed to predict the effect of sequence changes on RNA splicing suggest that this variant is not likely to affect RNA splicing. In summary, the available evidence is currently insufficient to determine the role of this variant in disease. Therefore, it has been classified as a Variant of Uncertain Significance.

Blueprint Genetics
Classification: Uncertain significance. Last evaluated: 2022-05-25. Review status: criteria provided, single submitter. Criteria: ACMG Guidelines, 2015. Collection method: clinical testing. Allele origin: germline.

Literature cited by the submitters: PubMed 17576681 (cited by Labcorp Genetics (formerly Invitae), Labcorp); PubMed 9536098 (cited by Labcorp Genetics (formerly Invitae), Labcorp).